The following is an entry in ClinVar:

ClinVar aggregate classification (germline): Uncertain significance. Review status: criteria provided, multiple submitters, no conflicts (2 of 4 stars). 8 submissions from 8 submitters: Uncertain significance (7). 1 of the submissions does not count toward it. Last evaluated 2026-01-20.

Conditions:
Hereditary cancer-predisposing syndrome. Also called: Tumor predisposition; Hereditary neoplastic syndrome; Neoplastic Syndromes, Hereditary; Hereditary Cancer Syndrome. Identifiers: Orphanet 140162, MedGen C0027672, MeSH D009386, MONDO:0015356.
Familial cancer of breast. Also called: BREAST CANCER, FAMILIAL; Hereditary breast cancer; hereditary breast carcinoma. Identifiers: Orphanet 227535, MedGen C0346153, MONDO:0016419, OMIM 114480. Disease mechanism: loss of function.
Fanconi anemia complementation group J. Also called: BRIP1-Related Fanconi Anemia. Identifiers: Orphanet 84, MedGen C1836860, MONDO:0012187, OMIM 609054.

Allele frequency attached by ClinVar (database versions not stated): ExAC 0.00001; gnomAD 0.00001; gnomAD exomes 0.00001 and 0.00002; TOPMed 0.00002.

Submissions (8):

Labcorp Genetics (formerly Invitae), Labcorp
Classification: Uncertain significance for Familial cancer of breast; Fanconi anemia complementation group J. Last evaluated: 2026-01-20. Review status: criteria provided, single submitter. Criteria: Invitae Variant Classification Sherloc (09022015). Collection method: clinical testing. Allele origin: germline.
Comment: This sequence change replaces arginine, which is basic and polar, with cysteine, which is neutral and slightly polar, at codon 762 of the BRIP1 protein (p.Arg762Cys). This variant is present in population databases (rs587778136, gnomAD 0.006%). This variant has not been reported in the literature in individuals affected with BRIP1-related conditions. ClinVar contains an entry for this variant (Variation ID: 133754). Invitae Evidence Modeling of protein sequence and biophysical properties (such as structural, functional, and spatial information, amino acid conservation, physicochemical variation, residue mobility, and thermodynamic stability) has been performed for this missense variant. However, the output from this modeling did not meet the statistical confidence thresholds required to predict the impact of this variant on BRIP1 protein function. In summary, the available evidence is currently insufficient to determine the role of this variant in disease. Therefore, it has been classified as a Variant of Uncertain Significance.

Ambry Genetics
Classification: Uncertain significance for Hereditary cancer-predisposing syndrome. Last evaluated: 2025-04-02. Review status: criteria provided, single submitter. Criteria: Ambry Variant Classification Scheme 2023. Collection method: clinical testing. Allele origin: germline.
Comment: The p.R762C variant (also known as c.2284C>T), located in coding exon 15 of the BRIP1 gene, results from a C to T substitution at nucleotide position 2284. The arginine at codon 762 is replaced by cysteine, an amino acid with highly dissimilar properties. In one study, this alteration was not observed in 706 cases with ovarian cancer or 6341 cases with breast cancer but was observed in 1/36687 unaffected controls (Weber-Lassalle N et al. Breast Cancer Res.,2018 01;20:7). This amino acid position is highly conserved in available vertebrate species. In addition, the in silico prediction for this alteration is deleterious. Since supporting evidence is limited at this time, the clinical significance of this alteration remains unclear.

Center for Genomic Medicine, Rigshospitalet, Copenhagen University Hospital
Classification: Uncertain significance. Last evaluated: 2025-03-04. Review status: criteria provided, single submitter. Criteria: ACMG Guidelines, 2015. Collection method: clinical testing. Allele origin: germline.

GeneDx
Classification: Uncertain significance. Last evaluated: 2024-12-30. Review status: criteria provided, single submitter. Criteria: GeneDx Variant Classification Process June 2021. Collection method: clinical testing. Allele origin: germline. Affected: yes.
Comment: Not observed at significant frequency in large population cohorts (gnomAD); In silico analysis supports that this missense variant has a deleterious effect on protein structure/function; Observed in healthy controls but absent in 706 ovarian cancer patients and 6,341 breast cancer patients (PMID: 29368626); This variant is associated with the following publications: (PMID: 28235761, 24163242, 24728327, 11301010, 35146455, 29368626)

Color Diagnostics, LLC DBA Color Health
Classification: Uncertain significance for Hereditary cancer-predisposing syndrome. Last evaluated: 2024-11-18. Review status: criteria provided, single submitter. Criteria: ACMG Guidelines, 2015. Collection method: clinical testing. Allele origin: germline.
Comment: This missense variant replaces arginine with cysteine at codon 762 of the BRIP1 protein. Computational prediction is inconclusive regarding the impact of this variant on protein structure and function. To our knowledge, functional studies have not been reported for this variant. This variant has not been reported in individuals affected with hereditary cancer in the literature. This variant has been identified in 5/251186 chromosomes in the general population by the Genome Aggregation Database (gnomAD). The available evidence is insufficient to determine the role of this variant in disease conclusively. Therefore, this variant is classified as a Variant of Uncertain Significance.

Women's Health and Genetics/Laboratory Corporation of America, LabCorp
Classification: Uncertain significance. Last evaluated: 2024-03-19. Review status: criteria provided, single submitter. Criteria: LabCorp Variant Classification Summary - May 2015. Collection method: clinical testing. Allele origin: germline.
Comment: Variant summary: BRIP1 c.2284C>T (p.Arg762Cys) results in a non-conservative amino acid change located in the ATP-dependent helicase, C-terminal domain (IPR006555) of the encoded protein sequence. Five of five in-silico tools predict a damaging effect of the variant on protein function. The variant allele was found at a frequency of 2e-05 in 251186 control chromosomes. In addition, this variant has also been reported in one heterozygous individual in Flossies database (Flossies/ Weber-Lassalle _2018). This database consists of individuals who are older than age 70 but never had cancer. The available data on variant occurrences in the general population are insufficient to allow any conclusion about variant significance. To our knowledge, no occurrence of c.2284C>T in individuals affected with Breast Cancer and no experimental evidence demonstrating its impact on protein function have been reported. The following publication have been ascertained in the context of this evaluation (PMID: 29368626). ClinVar contains an entry for this variant (Variation ID: 133754). Based on the evidence outlined above, the variant was classified as uncertain significance.

Baylor Genetics
Classification: Uncertain significance for Familial cancer of breast. Last evaluated: 2023-08-20. Review status: criteria provided, single submitter. Criteria: ACMG Guidelines, 2015. Collection method: clinical testing. Allele origin: unknown.

ITMI
No classification provided. Condition: AllHighlyPenetrant. Last evaluated: 2013-09-19. Review status: no classification provided. Collection method: reference population. Allele origin: germline. Not counted in ClinVar's aggregate classification.
Comment: Please see associated publication for description of ethnicities

Literature cited by the submitters: PubMed 29368626 (cited by Ambry Genetics and Women's Health and Genetics/Laboratory Corporation of America, LabCorp); PubMed 24728327 (cited by ITMI).

NM_032043.3(BRIP1):c.2284C>T (p.Arg762Cys)

Gene: BRIP1 (BRCA1 interacting DNA helicase 1; minus strand). Cytogenetic location: 17q23.2.
Variant type: single nucleotide variant.
Coding change: c.2284C>T on transcript NM_032043.3 (MANE Select); coding-DNA position 2284, C replaced by T.
Protein change: p.Arg762Cys; replaces arginine 762 with cysteine.
Molecular consequence: missense variant.
Genome position (GRCh38, 1-based): chr17:61,743,108, G>A on the plus strand (C>T on the coding strand, the complement: BRIP1 is on the minus strand). VCF-style: chr17-61743108-G-A. GRCh37 (hg19) VCF-style: chr17-59820469-G-A.
Other names: short protein forms R762C.
Identifiers: ClinVar variation 133754 (VCV000133754.39), dbSNP rs587778136, ClinGen allele CA157698.